The following is an entry in ClinVar:

ClinVar aggregate classification (germline): Uncertain significance (1 of 4 stars; one submission).

Conditions:
Galactosylceramide beta-galactosidase deficiency. Also called: Krabbe Disease; Leukodystrophy, Globoid Cell; GALACTOCEREBROSIDASE DEFICIENCY; GALC DEFICIENCY; GLOBOID CELL LEUKOENCEPHALOPATHY. Identifiers: Orphanet 487, MedGen C0023521, MONDO:0009499, OMIM 245200.

Allele frequency attached by ClinVar (database versions not stated): gnomAD 0.00003.
gnomAD v4.1: 10 of 1,578,512 alleles (0.00063%); highest among the groups gnomAD compares: African/African-American, 0.0027%; no homozygotes.

Submission:

Labcorp Genetics (formerly Invitae), Labcorp
Classification: Uncertain significance for Galactosylceramide beta-galactosidase deficiency. Last evaluated: 2021-09-01. Review status: criteria provided, single submitter. Criteria: Invitae Variant Classification Sherloc (09022015). Collection method: clinical testing. Allele origin: germline.
Comment: This sequence change replaces leucine with methionine at codon 32 of the GALC protein (p.Leu32Met). The leucine residue is moderately conserved and there is a small physicochemical difference between leucine and methionine. The frequency data for this variant in the population databases is considered unreliable, as metrics indicate insufficient coverage at this position in the ExAC database. This variant has not been reported in the literature in individuals affected with GALC-related conditions. Algorithms developed to predict the effect of missense changes on protein structure and function are either unavailable or do not agree on the potential impact of this missense change (SIFT: "Tolerated"; PolyPhen-2: "Probably Damaging"; Align-GVGD: "Class C0"). In summary, the available evidence is currently insufficient to determine the role of this variant in disease. Therefore, it has been classified as a Variant of Uncertain Significance.

NM_000153.4(GALC):c.94C>A (p.Leu32Met)

Gene: GALC (galactosylceramidase; minus strand). Cytogenetic location: 14q31.3.
Variant type: single nucleotide variant.
Coding change: c.94C>A on transcript NM_000153.4 (MANE Select); coding-DNA position 94, C replaced by A.
Protein change: p.Leu32Met; replaces leucine 32 with methionine.
Molecular consequence: missense variant. On other transcripts: intron variant (1).
Genome position (GRCh38, 1-based): chr14:87,993,071, G>T on the plus strand (C>A on the coding strand, the complement: GALC is on the minus strand). VCF-style: chr14-87993071-G-T. GRCh37 (hg19) VCF-style: chr14-88459415-G-T.
Other names: c.94C>A, p.Leu32Met (NM_001201401.2); c.117+312C>A (NM_001201402.2); short protein forms L32M.
Identifiers: ClinVar variation 658123 (VCV000658123.6), dbSNP rs770807058, ClinGen allele CA390771871.